The following is an entry in ClinVar:

NM_001943.5(DSG2):c.734A>G (p.Asn245Ser)

Gene: DSG2 (desmoglein 2; plus strand). Cytogenetic location: 18q12.1.
Variant type: single nucleotide variant.
Coding change: c.734A>G on transcript NM_001943.5 (MANE Select); coding-DNA position 734, A replaced by G.
Protein change: p.Asn245Ser; replaces asparagine 245 with serine.
Molecular consequence: missense variant.
Genome position (GRCh38, 1-based): chr18:31,524,491, A>G. VCF-style: chr18-31524491-A-G. GRCh37 (hg19) VCF-style: chr18-29104454-A-G.
Other names: c.734A>G (LRG_397t1); short protein forms N245S.
Identifiers: ClinVar variation 575865 (VCV000575865.7), dbSNP rs1568106586, ClinGen allele CA402134971.
Genomic context (GRCh38, chr18:31,524,491, plus strand): 5'-TTTTCATTGCTCTGCAGGAACACAGCAGCTACACTTTGACAGTAGAAGCAAGAGATGGCA[A>G]TGGAGAAGTTACAGACAAACCTGTAAAACAAGCTCAAGTTCAGATTCGTATTTTGGATGT-3'
Protein context (NP_001934.2, residues 235-255): YTLTVEARDG[Asn245Ser]GEVTDKPVKQ

ClinVar aggregate classification (germline): Uncertain significance. Review status: criteria provided, multiple submitters, no conflicts (2 of 4 stars). 2 submissions from 2 submitters: Uncertain significance (2). Last evaluated 2024-04-16.

Conditions:
Arrhythmogenic right ventricular dysplasia 10. Also called: Arrhythmogenic Right Ventricular Dysplasia/Cardiomyopathy10; Arrhythmogenic right ventricular dysplasia/cardiomyopathy, type 10; ARRHYTHMOGENIC RIGHT VENTRICULAR DYSPLASIA, FAMILIAL, 10. Identifiers: MedGen C1857777, MONDO:0012434, OMIM 610193.

Allele frequency attached by ClinVar (database versions not stated): gnomAD exomes below 0.00001.
gnomAD v4.1: 1 of 1,614,186 alleles (0.000062%); highest among the groups gnomAD compares: Non-Finnish European, 0.000085%; no homozygotes.

Submissions (2):

Blueprint Genetics
Classification: Uncertain significance. Last evaluated: 2024-04-16. Review status: criteria provided, single submitter. Criteria: ACMG Guidelines, 2015. Collection method: clinical testing. Allele origin: germline.

Labcorp Genetics (formerly Invitae), Labcorp
Classification: Uncertain significance for Arrhythmogenic right ventricular dysplasia 10. Last evaluated: 2021-08-20. Review status: criteria provided, single submitter. Criteria: Invitae Variant Classification Sherloc (09022015). Collection method: clinical testing. Allele origin: germline.
Comment: This sequence change replaces asparagine with serine at codon 245 of the DSG2 protein (p.Asn245Ser). The asparagine residue is moderately conserved and there is a small physicochemical difference between asparagine and serine. This variant is not present in population databases (ExAC no frequency). This variant has not been reported in the literature in individuals affected with DSG2-related conditions. Algorithms developed to predict the effect of missense changes on protein structure and function output the following: SIFT: "Tolerated"; PolyPhen-2: "Benign"; Align-GVGD: "Class C0". The serine amino acid residue is found in multiple mammalian species, which suggests that this missense change does not adversely affect protein function. In summary, the available evidence is currently insufficient to determine the role of this variant in disease. Therefore, it has been classified as a Variant of Uncertain Significance.